The following is an entry in ClinVar:

NM_207361.6(FREM2):c.7759A>G (p.Thr2587Ala)

Gene: FREM2 (FRAS1 related extracellular matrix 2; plus strand). Cytogenetic location: 13q13.3.
Variant type: single nucleotide variant.
Coding change: c.7759A>G on transcript NM_207361.6 (MANE Select); coding-DNA position 7759, A replaced by G.
Protein change: p.Thr2587Ala; replaces threonine 2587 with alanine.
Molecular consequence: missense variant.
Genome position (GRCh38, 1-based): chr13:38,864,382, A>G. VCF-style: chr13-38864382-A-G. GRCh37 (hg19) VCF-style: chr13-39438519-A-G.
Other names: c.7759A>G (NM_207361.5); short protein forms T2587A.
Identifiers: ClinVar variation 3279798 (VCV003279798.3).

ClinVar aggregate classification (germline): Uncertain significance. Review status: criteria provided, multiple submitters, no conflicts (2 of 4 stars). 3 submissions from 3 submitters: Uncertain significance (3). Last evaluated 2025-06-23.

Conditions:
Inborn genetic diseases. Identifiers: MedGen C0950123, MeSH D030342.
Isolated cryptophthalmia. Also called: Cryptophthalmos, unilateral or bilateral, isolated; ANKYLOBLEPHARON, SIMPLE. Identifiers: Orphanet 91396, MedGen C1852453, MONDO:0007410, OMIM 123570.
Fraser syndrome 2 (FRASRS2). Identifiers: MedGen C4540036, MONDO:0054738, OMIM 617666.
FREM2-related disorder. Also called: FREM2-related condition.

gnomAD v4.1: 12 of 1,614,008 alleles (0.00074%); highest among the groups gnomAD compares: Admixed American, 0.017%; no homozygotes.

Submissions (3):

PreventionGenetics, part of Exact Sciences
Classification: Uncertain significance for FREM2-related condition. Last evaluated: 2025-06-23. Review status: criteria provided, single submitter. Criteria: ACMG Guidelines, 2015. Collection method: clinical testing. Allele origin: germline.
Comment: The FREM2 c.7759A>G variant is predicted to result in the amino acid substitution p.Thr2587Ala. To our knowledge, this variant has not been reported in the literature. This variant is reported in 0.017% of alleles in individuals of Latino descent in gnomAD. At this time, the clinical significance of this variant is uncertain due to the absence of conclusive functional and genetic evidence.

Ambry Genetics
Classification: Uncertain significance for Inborn genetic diseases. Last evaluated: 2024-05-16. Review status: criteria provided, single submitter. Criteria: Ambry Variant Classification Scheme 2023. Collection method: clinical testing. Allele origin: germline.

Fulgent Genetics
Classification: Uncertain significance for Isolated cryptophthalmia; Fraser syndrome 2. Last evaluated: 2024-01-24. Review status: criteria provided, single submitter. Criteria: ACMG Guidelines, 2015. Collection method: clinical testing. Allele origin: germline.